The following is an entry in ClinVar:

NM_207037.2(TCF12):c.1883G>A (p.Cys628Tyr)

Gene: TCF12 (transcription factor 12; plus strand). Cytogenetic location: 15q21.3.
Variant type: single nucleotide variant.
Coding change: c.1883G>A on transcript NM_207037.2 (MANE Select); coding-DNA position 1883, G replaced by A.
Protein change: p.Cys628Tyr; replaces cysteine 628 with tyrosine.
Molecular consequence: missense variant.
Genome position (GRCh38, 1-based): chr15:57,273,167, G>A. VCF-style: chr15-57273167-G-A. GRCh37 (hg19) VCF-style: chr15-57565365-G-A.
Other names: c.1637G>A, p.Cys546Tyr (NM_001322158.2); c.1883G>A, p.Cys628Tyr (NM_001322159.3, NM_001322162.2, NM_207036.2 and 1 more transcripts); c.1880G>A, p.Cys627Tyr (NM_001322161.2, NM_001322152.2); c.1847G>A, p.Cys616Tyr (NM_001322164.2); c.1811G>A, p.Cys604Tyr (NM_001322165.2, NM_003205.4, NM_207038.2 and 1 more transcripts); c.1301G>A, p.Cys434Tyr (NM_207040.2); c.1373G>A, p.Cys458Tyr (NM_001306219.3); c.1103G>A, p.Cys368Tyr (NM_001306220.3); and 2 more; short protein forms C368Y, C409Y, C434Y, C458Y, C546Y, C570Y, C604Y, C616Y.
Identifiers: ClinVar variation 4885881 (VCV004885881.2).

ClinVar aggregate classification (germline): Uncertain significance (1 of 4 stars; one submission).

Submission:

Dasa
Classification: Uncertain significance. Last evaluated: 2025-11-03. Review status: criteria provided, single submitter. Criteria: DASA Assertion Criteria. Collection method: clinical testing. Allele origin: germline.
Comment: NM_207037.2(TCF12):c.1883G>A (p.Cys628Tyr) is a missense variant that results in the substitution of cysteine with tyrosine. The affected residue or protein region has prior evidence supporting clinical relevance. This variant is absent from population databases. Computational prediction algorithms are consistent with a deleterious effect. The currently available literature and clinical evidence are not sufficient to establish a definitive association between this variant and the reported condition. Therefore, this variant is classified as a variant of uncertain significance.